The following is an entry in ClinVar:

ClinVar aggregate classification (germline): Uncertain significance. Review status: criteria provided, multiple submitters, no conflicts (2 of 4 stars). 6 submissions from 6 submitters: Uncertain significance (5). 1 of the submissions does not count toward it. Last evaluated 2025-11-26.

Conditions:
FANCM-related disorder. Also called: FANCM-related condition.
Spermatogenic failure 28. Identifiers: MedGen C4748117, MONDO:0054732, OMIM 618086.
Premature ovarian failure 15. Identifiers: MedGen C4748170, MONDO:0054862, OMIM 618096.
Fanconi anemia (FA). Also called: Fanconi's anemia. Identifiers: Orphanet 84, MedGen C0015625, MeSH D005199, MONDO:0019391.

Allele frequency attached by ClinVar (database versions not stated): gnomAD 0.00003; gnomAD exomes 0.00003 and 0.00004; TOPMed 0.00005; ExAC 0.00006; ESP Exome Variant Server 0.00015.
gnomAD v4.1: 45 of 1,613,916 alleles (0.0028%); highest among the groups gnomAD compares: Admixed American, 0.01%; no homozygotes.

Submissions (6):

Labcorp Genetics (formerly Invitae), Labcorp
Classification: Uncertain significance for Fanconi anemia. Last evaluated: 2025-11-26. Review status: criteria provided, single submitter. Criteria: Invitae Variant Classification Sherloc (09022015). Collection method: clinical testing. Allele origin: germline.
Comment: This sequence change replaces cysteine, which is neutral and slightly polar, with arginine, which is basic and polar, at codon 1895 of the FANCM protein (p.Cys1895Arg). This variant is present in population databases (rs148945714, gnomAD 0.01%). This variant has not been reported in the literature in individuals affected with FANCM-related conditions. ClinVar contains an entry for this variant (Variation ID: 639418). An algorithm developed to predict the effect of missense changes on protein structure and function (PolyPhen-2) suggests that this variant is likely to be disruptive. In summary, the available evidence is currently insufficient to determine the role of this variant in disease. Therefore, it has been classified as a Variant of Uncertain Significance.

GeneDx
Classification: Uncertain significance. Last evaluated: 2024-11-11. Review status: criteria provided, single submitter. Criteria: GeneDx Variant Classification Process June 2021. Collection method: clinical testing. Allele origin: germline. Affected: yes.
Comment: In silico analysis supports that this missense variant has a deleterious effect on protein structure/function; Has not been previously published as pathogenic or benign to our knowledge

Quest Diagnostics Nichols Institute San Juan Capistrano
Classification: Uncertain significance. Last evaluated: 2023-12-26. Review status: criteria provided, single submitter. Criteria: Quest Diagnostics criteria. Collection method: clinical testing. Allele origin: unknown.
Comment: The FANCM c.5683T>C (p.Cys1895Arg) variant has been identified in the published literature in individuals with breast cancer and other cancer types, including pancreatic cancer and acute myeloid leukemia, as well as in reportedly healthy individuals (PMIDs: 26483394 (2015), 32235514 (2020), 33471991 (2021), 34482403 (2022), 36707629 (2023), 37450374 (2023), see also LOVD). The frequency of this variant in the general population, 0.00017 (6/35424 chromosomes (Genome Aggregation Database)), is uninformative in the assessment of its pathogenicity. Analysis of this variant using bioinformatics tools for the prediction of the effect of amino acid changes on protein structure and function yielded conflicting predictions that this variant is benign or damaging. Based on the available information, we are unable to determine the clinical significance of this variant.

Fulgent Genetics
Classification: Uncertain significance for Spermatogenic failure 28; Premature ovarian failure 15. Last evaluated: 2021-11-19. Review status: criteria provided, single submitter. Criteria: ACMG Guidelines, 2015. Collection method: clinical testing. Allele origin: unknown.

Institute for Clinical Genetics, University Hospital TU Dresden, University Hospital TU Dresden
Classification: Uncertain significance. Last evaluated: 2021-11-03. Review status: criteria provided, single submitter. Criteria: ACMG Guidelines, 2015. Collection method: clinical testing. Allele origin: germline.

PreventionGenetics, part of Exact Sciences
Classification: Uncertain significance for FANCM-related condition. Last evaluated: 2024-08-28. Review status: no assertion criteria provided. Collection method: clinical testing. Allele origin: germline. Not counted in ClinVar's aggregate classification.
Comment: The FANCM c.5683T>C variant is predicted to result in the amino acid substitution p.Cys1895Arg. To our knowledge, this variant has not been reported in the literature. This variant is reported in 0.017% of alleles in individuals of Latino descent in gnomAD and is reported as a variant of uncertain significance in ClinVar. At this time, the clinical significance of this variant is uncertain due to the absence of conclusive functional and genetic evidence.

Literature cited by the submitters: PubMed 33471991 (cited by Quest Diagnostics Nichols Institute San Juan Capistrano); PubMed 36707629 (cited by Quest Diagnostics Nichols Institute San Juan Capistrano); PubMed 37450374 (cited by Quest Diagnostics Nichols Institute San Juan Capistrano); PubMed 32235514 (cited by Quest Diagnostics Nichols Institute San Juan Capistrano); PubMed 26483394 (cited by Quest Diagnostics Nichols Institute San Juan Capistrano); PubMed 34482403 (cited by Quest Diagnostics Nichols Institute San Juan Capistrano).

NM_020937.4(FANCM):c.5683T>C (p.Cys1895Arg)

Gene: FANCM (FA complementation group M; plus strand). Cytogenetic location: 14q21.2.
Variant type: single nucleotide variant.
Coding change: c.5683T>C on transcript NM_020937.4 (MANE Select); coding-DNA position 5683, T replaced by C.
Protein change: p.Cys1895Arg; replaces cysteine 1895 with arginine.
Molecular consequence: missense variant.
Genome position (GRCh38, 1-based): chr14:45,196,514, T>C. VCF-style: chr14-45196514-T-C. GRCh37 (hg19) VCF-style: chr14-45665717-T-C.
Other names: c.5683T>C (LRG_502t1, NM_020937.3); c.5605T>C, p.Cys1869Arg (NM_001308133.2); short protein forms C1895R, C1869R.
Identifiers: ClinVar variation 639418 (VCV000639418.15), dbSNP rs148945714, ClinGen allele CA7170036.